The following is an entry in ClinVar:

ClinVar aggregate classification (germline): Uncertain significance (1 of 4 stars; one submission).

Conditions:
Immunodeficiency 35 (IMD35). Also called: HIES WITH ATYPICAL MYCOBACTERIOSIS, AUTOSOMAL RECESSIVE; HYPER-IgE SYNDROME WITH ATYPICAL MYCOBACTERIOSIS, AUTOSOMAL RECESSIVE; TYK2 DEFICIENCY; Susceptibility to infection due to TYK2 deficiency. Identifiers: Orphanet 331226, MedGen C1969086, MONDO:0012682, OMIM 611521.

Allele frequency attached by ClinVar (database versions not stated): gnomAD exomes below 0.00001.
gnomAD v4.1: 5 of 1,613,478 alleles (0.00031%); highest among the groups gnomAD compares: South Asian, 0.0011%; no homozygotes.

Submission:

Labcorp Genetics (formerly Invitae), Labcorp
Classification: Uncertain significance for Immunodeficiency 35. Last evaluated: 2020-12-20. Review status: criteria provided, single submitter. Criteria: Invitae Variant Classification Sherloc (09022015). Collection method: clinical testing. Allele origin: germline.
Comment: In summary, the available evidence is currently insufficient to determine the role of this variant in disease. Therefore, it has been classified as a Variant of Uncertain Significance. Experimental studies have shown that this variant affects TYK2 protein function (PMID: 14500783). This variant has not been reported in the literature in individuals with TYK2-related conditions. This variant is not present in population databases (ExAC no frequency). This sequence change replaces glutamic acid with lysine at codon 782 of the TYK2 protein (p.Glu782Lys). The glutamic acid residue is highly conserved and there is a small physicochemical difference between glutamic acid and lysine.

Literature cited by the submitters: PubMed 14500783.

NM_003331.5(TYK2):c.2344G>A (p.Glu782Lys)

Gene: TYK2 (tyrosine kinase 2; minus strand). Cytogenetic location: 19p13.2.
Variant type: single nucleotide variant.
Coding change: c.2344G>A on transcript NM_003331.5 (MANE Select); coding-DNA position 2344, G replaced by A.
Protein change: p.Glu782Lys; replaces glutamic acid 782 with lysine.
Molecular consequence: missense variant.
Genome position (GRCh38, 1-based): chr19:10,357,886, C>T on the plus strand (G>A on the coding strand, the complement: TYK2 is on the minus strand). VCF-style: chr19-10357886-C-T. GRCh37 (hg19) VCF-style: chr19-10468562-C-T.
Other names: c.2344G>A, p.Glu782Lys (NM_001385197.1, NM_001385198.1, NM_001385200.1 and 2 more transcripts); c.2158G>A, p.Glu720Lys (NM_001385199.1); c.2146G>A, p.Glu716Lys (NM_001385201.1); c.2260G>A, p.Glu754Lys (NM_001385202.1); c.2254G>A, p.Glu752Lys (NM_001385205.1); c.2218G>A, p.Glu740Lys (NM_001385206.1); c.2326G>A, p.Glu776Lys (NM_001385207.1); short protein forms E752K, E754K, E740K, E776K, E720K, E716K, E782K.
Identifiers: ClinVar variation 1495369 (VCV001495369.6), dbSNP rs2145185225, ClinGen allele CA403995904.
Genomic context (GRCh38, chr19:10,357,886, plus strand): 5'-CGCCAAACCCCCACTTGTCCATGGCGGTGCTTAGGCTGTTGGCCCCACCTGGTAGGCATT[C>T]GGGGGCCAGCCAGGGGATCCTCTCCACCCGCTCTGGGAGGCCAAGGTCAGAGGTCACCAA-3'
Protein context (NP_003322.3, residues 772-792): RVERIPWLAP[Glu782Lys]CLPGGANSLS